The following is an entry in ClinVar:

ClinVar aggregate classification (germline): Uncertain significance (1 of 4 stars; one submission).

Conditions:
Hereditary cancer-predisposing syndrome. Also called: Hereditary neoplastic syndrome; Hereditary Cancer Syndrome; Neoplastic Syndromes, Hereditary; Tumor predisposition. Identifiers: Orphanet 140162, MedGen C0027672, MeSH D009386, MONDO:0015356.

Submission:

Color Diagnostics, LLC DBA Color Health
Classification: Uncertain significance for Hereditary cancer-predisposing syndrome. Last evaluated: 2024-03-06. Review status: criteria provided, single submitter. Criteria: ACMG Guidelines, 2015. Collection method: clinical testing. Allele origin: germline.
Comment: This missense variant replaces leucine with proline at codon 2416 of the APC protein. Computational prediction is inconclusive regarding the impact of this variant on protein structure and function (internally defined REVEL score threshold 0.5 < inconclusive < 0.7, PMID: 27666373). To our knowledge, functional studies have not been reported for this variant. This variant has not been reported in individuals affected with hereditary cancer in the literature. This variant has not been identified in the general population by the Genome Aggregation Database (gnomAD). The available evidence is insufficient to determine the role of this variant in disease conclusively. Therefore, this variant is classified as a Variant of Uncertain Significance.

NM_000038.6(APC):c.7247T>C (p.Leu2416Pro)

Gene: APC (APC regulator of Wnt signaling pathway; plus strand). Cytogenetic location: 5q22.2.
Variant type: single nucleotide variant.
Coding change: c.7247T>C on transcript NM_000038.6 (MANE Select); coding-DNA position 7247, T replaced by C.
Protein change: p.Leu2416Pro; replaces leucine 2416 with proline.
Molecular consequence: missense variant. On other transcripts: non-coding transcript variant (2).
Genome position (GRCh38, 1-based): chr5:112,842,841, T>C. VCF-style: chr5-112842841-T-C. GRCh37 (hg19) VCF-style: chr5-112178538-T-C.
Other names: c.7247T>C, p.Leu2416Pro (NM_001127510.3, NM_001354895.2, NM_001407450.1); c.7193T>C, p.Leu2398Pro (NM_001127511.3); c.7301T>C, p.Leu2434Pro (NM_001354896.2, NM_001407447.1, NM_001407448.1 and 1 more transcripts); c.7277T>C, p.Leu2426Pro (NM_001354897.2); c.7172T>C, p.Leu2391Pro (NM_001354898.2); c.7163T>C, p.Leu2388Pro (NM_001354899.2); c.7124T>C, p.Leu2375Pro (NM_001354900.2); c.7070T>C, p.Leu2357Pro (NM_001354901.2, NM_001407453.1); and 11 more; short protein forms L2357P, L2388P, L2391P, L2416P, L2426P, L2133P, L2256P, L2325P.
Identifiers: ClinVar variation 2773617 (VCV002773617.2), dbSNP rs2149982811, ClinGen allele CA16037119.